The following is an entry in ClinVar:

ClinVar aggregate classification (germline): Uncertain significance (1 of 4 stars; one submission).

Conditions:
Familial focal epilepsy with variable foci (FPEVF). Identifiers: Orphanet 98820, MedGen C1858477, MONDO:0020310.

Allele frequency attached by ClinVar (database versions not stated): gnomAD exomes below 0.00001; TOPMed below 0.00001; gnomAD 0.00001.
gnomAD v4.1: 3 of 1,608,050 alleles (0.00019%); highest among the groups gnomAD compares: Non-Finnish European, 0.00026%; no homozygotes.

Submission:

Labcorp Genetics (formerly Invitae), Labcorp
Classification: Uncertain significance for Familial focal epilepsy with variable foci. Last evaluated: 2023-02-13. Review status: criteria provided, single submitter. Criteria: Invitae Variant Classification Sherloc (09022015). Collection method: clinical testing. Allele origin: germline.
Comment: In summary, the available evidence is currently insufficient to determine the role of this variant in disease. Therefore, it has been classified as a Variant of Uncertain Significance. Algorithms developed to predict the effect of missense changes on protein structure and function are either unavailable or do not agree on the potential impact of this missense change (SIFT: "Deleterious"; PolyPhen-2: "Not Available"; Align-GVGD: "Class C0"). This variant has not been reported in the literature in individuals affected with DEPDC5-related conditions. This variant is not present in population databases (gnomAD no frequency). This sequence change replaces serine, which is neutral and polar, with phenylalanine, which is neutral and non-polar, at codon 230 of the DEPDC5 protein (p.Ser230Phe).

NM_001242896.3(DEPDC5):c.689C>T (p.Ser230Phe)

Gene: DEPDC5 (DEP domain containing 5, GATOR1 subcomplex subunit; plus strand). Cytogenetic location: 22q12.2.
Variant type: single nucleotide variant.
Coding change: c.689C>T on transcript NM_001242896.3 (MANE Select); coding-DNA position 689, C replaced by T.
Protein change: p.Ser230Phe; replaces serine 230 with phenylalanine.
Molecular consequence: missense variant. On other transcripts: non-coding transcript variant (5).
Genome position (GRCh38, 1-based): chr22:31,792,097, C>T. VCF-style: chr22-31792097-C-T. GRCh37 (hg19) VCF-style: chr22-32188083-C-T.
Other names: c.689C>T, p.Ser230Phe (NM_001007188.4, NM_001136029.4, NM_001242897.2 and 7 more transcripts); c.605C>T, p.Ser202Phe (NM_001369901.1, NM_001369902.1); short protein forms S202F, S230F.
Identifiers: ClinVar variation 2836727 (VCV002836727.3), dbSNP rs2085728746, ClinGen allele CA411288577.